The following is an entry in ClinVar:

ClinVar aggregate classification (germline): Uncertain significance. Review status: criteria provided, multiple submitters, no conflicts (2 of 4 stars). 4 submissions from 4 submitters: Uncertain significance (4). Last evaluated 2026-08-11.

Conditions:
Inborn genetic diseases. Identifiers: MedGen C0950123, MeSH D030342.
Multiple congenital anomalies-hypotonia-seizures syndrome 1 (MCAHS1). Also called: PIGN-CDG; Congenital disorder of glycosylation due to PIGN deficiency; GLYCOSYLPHOSPHATIDYLINOSITOL BIOSYNTHESIS DEFECT 3. Identifiers: Orphanet 280633, MedGen C3279775, MONDO:0013563, OMIM 614080.

Allele frequency attached by ClinVar (database versions not stated): gnomAD 0.00001; ESP Exome Variant Server 0.00017; gnomAD exomes 0.00002; TOPMed 0.00002; ExAC 0.00004.
gnomAD v4.1: 139 of 1,609,632 alleles (0.0086%); highest among the groups gnomAD compares: Non-Finnish European, 0.011%; no homozygotes.

Submissions (4):

GeneDx
Classification: Uncertain significance. Last evaluated: 2026-08-11. Review status: criteria provided, single submitter. Criteria: GeneDx Variant Classification Process June 2021. Collection method: clinical testing. Allele origin: germline.
Comment: Not observed at significant frequency in large population cohorts (gnomAD); In silico analysis suggests that this missense variant does not alter protein structure/function; Has not been previously published as pathogenic or benign to our knowledge

Labcorp Genetics (formerly Invitae), Labcorp
Classification: Uncertain significance for Multiple congenital anomalies-hypotonia-seizures syndrome 1. Last evaluated: 2026-01-26. Review status: criteria provided, single submitter. Criteria: Invitae Variant Classification Sherloc (09022015). Collection method: clinical testing. Allele origin: germline.
Comment: This sequence change replaces valine, which is neutral and non-polar, with methionine, which is neutral and non-polar, at codon 698 of the PIGN protein (p.Val698Met). This variant is present in population databases (rs369249247, gnomAD 0.006%). This variant has not been reported in the literature in individuals affected with PIGN-related conditions. ClinVar contains an entry for this variant (Variation ID: 575981). Invitae Evidence Modeling of protein sequence and biophysical properties (such as structural, functional, and spatial information, amino acid conservation, physicochemical variation, residue mobility, and thermodynamic stability) indicates that this missense variant is not expected to disrupt PIGN protein function with a negative predictive value of 80%. In summary, the available evidence is currently insufficient to determine the role of this variant in disease. Therefore, it has been classified as a Variant of Uncertain Significance.

Women's Health and Genetics/Laboratory Corporation of America, LabCorp
Classification: Uncertain significance. Last evaluated: 2025-06-09. Review status: criteria provided, single submitter. Criteria: LabCorp Variant Classification Summary - May 2015. Collection method: clinical testing. Allele origin: germline.
Comment: Variant summary: PIGN c.2092G>A (p.Val698Met) results in a conservative amino acid change in the encoded protein sequence. Algorithms developed to predict the effect of missense changes on protein structure and function all suggest that this variant is likely to be tolerated. The variant allele was found at a frequency of 2.4e-05 in 248168 control chromosomes. The available data on variant occurrences in the general population are insufficient to allow any conclusion about variant significance. To our knowledge, no occurrence of c.2092G>A in individuals affected with Multiple Congenital Anomalies-Hypotonia Syndrome 1 and no experimental evidence demonstrating its impact on protein function have been reported. ClinVar contains an entry for this variant (Variation ID: 575981). Based on the evidence outlined above, the variant was classified as uncertain significance.

Ambry Genetics
Classification: Uncertain significance for Inborn genetic diseases. Last evaluated: 2023-06-06. Review status: criteria provided, single submitter. Criteria: Ambry Variant Classification Scheme 2023. Collection method: clinical testing. Allele origin: germline.

NM_176787.5(PIGN):c.2092G>A (p.Val698Met)

Gene: PIGN (phosphatidylinositol glycan anchor biosynthesis class N; minus strand). Cytogenetic location: 18q21.33.
Variant type: single nucleotide variant.
Coding change: c.2092G>A on transcript NM_176787.5 (MANE Select); coding-DNA position 2092, G replaced by A.
Protein change: p.Val698Met; replaces valine 698 with methionine.
Molecular consequence: missense variant.
Genome position (GRCh38, 1-based): chr18:62,095,936, C>T on the plus strand (G>A on the coding strand, the complement: PIGN is on the minus strand). VCF-style: chr18-62095936-C-T. GRCh37 (hg19) VCF-style: chr18-59763169-C-T.
Other names: c.2092G>A, p.Val698Met (NM_012327.6); short protein forms V698M.
Identifiers: ClinVar variation 575981 (VCV000575981.12), dbSNP rs369249247, ClinGen allele CA8982082.
Genomic context (GRCh38, chr18:62,095,936, plus strand): 5'-TCAATGAAAGAAGTATGCTGAACAATCGCTGAAAGAGAACTGGAGAACTCAGTAGTGGCA[C>T]AACCAAGGAAGAGGCTGCAATGAAACAGAACAGGTCATCTGTCAGTATAAGAGACACAAA-3'
Protein context (NP_789744.1, residues 688-708): SWATLASSLV[Val698Met]PLLSSPVLFQ